The following is an entry in ClinVar:

ClinVar aggregate classification (germline): Uncertain significance (1 of 4 stars; one submission).

gnomAD v4.1: 88 of 1,519,012 alleles (0.0058%); highest among the groups gnomAD compares: Non-Finnish European, 0.0074%; no homozygotes.

Submission:

GeneDx
Classification: Uncertain significance. Last evaluated: 2022-05-27. Review status: criteria provided, single submitter. Criteria: GeneDx Variant Classification Process June 2021. Collection method: clinical testing. Allele origin: germline. Affected: yes.
Comment: In silico analysis supports that this missense variant has a deleterious effect on protein structure/function; Has not been previously published as pathogenic or benign to our knowledge

NM_020158.4(EXOSC5):c.379G>C (p.Gly127Arg)

Gene: EXOSC5 (exosome component 5; minus strand). Cytogenetic location: 19q13.2.
Variant type: single nucleotide variant.
Coding change: c.379G>C on transcript NM_020158.4 (MANE Select); coding-DNA position 379, G replaced by C.
Protein change: p.Gly127Arg; replaces glycine 127 with arginine.
Molecular consequence: missense variant.
Genome position (GRCh38, 1-based): chr19:41,391,846, C>G on the plus strand (G>C on the coding strand, the complement: EXOSC5 is on the minus strand). VCF-style: chr19-41391846-C-G. GRCh37 (hg19) VCF-style: chr19-41897751-C-G.
Other names: short protein forms G127R.
Identifiers: ClinVar variation 1801077 (VCV001801077.1), dbSNP rs201990827, ClinGen allele CA9460784.
Genomic context (GRCh38, chr19:41,391,846, plus strand): 5'-AGGAGGGAAGCAATCAGGAGACTTCCTGGAGGAGGAGGCCTGGCAGAAAGGATACAGAGC[C>G]GGCATCGCTGACAACCTGCAGCACCACGGTGATGGAGGTGCGGGGGTGCAACGTGCCCAG-3'
Protein context (NP_064543.3, residues 117-137): TVVLQVVSDA[Gly127Arg]SLLACCLNAA